The following is an entry in ClinVar:

NM_001330588.2(TPP2):c.1245-20T>A

Gene: TPP2 (tripeptidyl peptidase 2; plus strand). Cytogenetic location: 13q33.1.
Variant type: single nucleotide variant.
Coding change: c.1245-20T>A on transcript NM_001330588.2 (MANE Select); 20 bases into the intron before coding-DNA position 1245, T replaced by A.
Molecular consequence: intron variant.
Genome position (GRCh38, 1-based): chr13:102,633,930, T>A. VCF-style: chr13-102633930-T-A. GRCh37 (hg19) VCF-style: chr13-103286280-T-A.
Other names: c.1245-20T>A (NM_001367947.1, NM_003291.4).
Identifiers: ClinVar variation 1168212 (VCV001168212.13), dbSNP rs2274461, ClinGen allele CA7037704.
Genomic context (GRCh38, chr13:102,633,930, plus strand): 5'-TAACCAGTGGTCGTCTTAAAAATGCCCATGTATGTTTAGCTTTCACCATCCTAAGCAAAC[T>A]TCAATGGCTTTCCATTTAGTGCTGACGGGGCCCTTGGTGTGAGTATCAGTGCGCCAGGAG-3'

ClinVar aggregate classification (germline): Benign. Review status: criteria provided, multiple submitters, no conflicts (2 of 4 stars). 3 submissions from 3 submitters: Benign (3). Last evaluated 2026-02-04.

Conditions:
Evans syndrome, immunodeficiency, and premature immunosenescence associated with tripeptidyl-peptidase II deficiency. Identifiers: MedGen CN231723. Disease mechanism: loss of function.

Allele frequency attached by ClinVar (database versions not stated): gnomAD exomes 0.10661 and 0.11567; ExAC 0.12101; gnomAD 0.14910 and 0.15199; ESP Exome Variant Server 0.15262; TOPMed 0.15724; 1000 Genomes Project 0.16953.
gnomAD v4.1: 179,780 of 1,613,504 alleles (11%); highest among the groups gnomAD compares: African/African-American, 26%; 11,666 homozygotes.

Submissions (22):

Labcorp Genetics (formerly Invitae), Labcorp
Classification: Benign for Evans syndrome, immunodeficiency, and premature immunosenescence associated with tripeptidyl-peptidase II deficiency. Last evaluated: 2026-02-04. Review status: criteria provided, single submitter. Criteria: Invitae Variant Classification Sherloc (09022015). Collection method: clinical testing. Allele origin: germline.

Unidad de Genómica Garrahan, Hospital de Pediatría Garrahan
Classification: Benign. Last evaluated: 2023-11-12. Review status: criteria provided, single submitter. Criteria: ACMG Guidelines, 2015. Collection method: clinical testing. Allele origin: germline. Affected: no. Observed: 22 variant alleles.
Comment: This variant is classified as Benign based on local population frequency. This variant was detected in 23% of patients studied by a panel of primary immunodeficiencies. Number of patients: 22. Only high quality variants are reported.

Breakthrough Genomics
Classification: Benign. Review status: criteria provided, single submitter. Criteria: ACMG Guidelines, 2015. Collection method: not provided. Allele origin: germline. Inheritance: Autosomal recessive inheritance. Affected: yes.

Dr. Peter K. Rogan Lab, Western University
No classification provided (evidence only). Condition: Familial cancer of breast. Review status: no classification provided. Collection method: in vitro. Allele origin: not applicable. Functional consequence: retained intron. Not counted in ClinVar's aggregate classification.

Dr. Peter K. Rogan Lab, Western University
No classification provided (evidence only). Condition: Familial cancer of breast. Review status: no classification provided. Collection method: in vitro. Allele origin: not applicable. Functional consequence: retained intron. Not counted in ClinVar's aggregate classification.

Dr. Peter K. Rogan Lab, Western University
No classification provided (evidence only). Condition: Familial cancer of breast. Review status: no classification provided. Collection method: in vitro. Allele origin: not applicable. Functional consequence: retained intron. Not counted in ClinVar's aggregate classification.

Dr. Peter K. Rogan Lab, Western University
No classification provided (evidence only). Condition: Familial cancer of breast. Review status: no classification provided. Collection method: in vitro. Allele origin: not applicable. Functional consequence: retained intron. Not counted in ClinVar's aggregate classification.

Dr. Peter K. Rogan Lab, Western University
No classification provided (evidence only). Condition: Malignant lymphoma, large B-cell, diffuse. Review status: no classification provided. Collection method: in vitro. Allele origin: not applicable. Functional consequence: retained intron. Not counted in ClinVar's aggregate classification.

Dr. Peter K. Rogan Lab, Western University
No classification provided (evidence only). Condition: Malignant lymphoma, large B-cell, diffuse. Review status: no classification provided. Collection method: in vitro. Allele origin: not applicable. Functional consequence: retained intron. Not counted in ClinVar's aggregate classification.

Dr. Peter K. Rogan Lab, Western University
No classification provided (evidence only). Condition: Malignant lymphoma, large B-cell, diffuse. Review status: no classification provided. Collection method: in vitro. Allele origin: not applicable. Functional consequence: retained intron. Not counted in ClinVar's aggregate classification.

Dr. Peter K. Rogan Lab, Western University
No classification provided (evidence only). Condition: Malignant lymphoma, large B-cell, diffuse. Review status: no classification provided. Collection method: in vitro. Allele origin: not applicable. Functional consequence: retained intron. Not counted in ClinVar's aggregate classification.

Dr. Peter K. Rogan Lab, Western University
No classification provided (evidence only). Condition: Malignant lymphoma, large B-cell, diffuse. Review status: no classification provided. Collection method: in vitro. Allele origin: not applicable. Functional consequence: retained intron. Not counted in ClinVar's aggregate classification.

Dr. Peter K. Rogan Lab, Western University
No classification provided (evidence only). Condition: Malignant lymphoma, large B-cell, diffuse. Review status: no classification provided. Collection method: in vitro. Allele origin: not applicable. Functional consequence: retained intron. Not counted in ClinVar's aggregate classification.

Dr. Peter K. Rogan Lab, Western University
No classification provided (evidence only). Condition: Uterine carcinosarcoma. Review status: no classification provided. Collection method: in vitro. Allele origin: not applicable. Functional consequence: retained intron. Not counted in ClinVar's aggregate classification.

Dr. Peter K. Rogan Lab, Western University
No classification provided (evidence only). Condition: Uterine carcinosarcoma. Review status: no classification provided. Collection method: in vitro. Allele origin: not applicable. Functional consequence: retained intron. Not counted in ClinVar's aggregate classification.

Dr. Peter K. Rogan Lab, Western University
No classification provided (evidence only). Condition: Uterine carcinosarcoma. Review status: no classification provided. Collection method: in vitro. Allele origin: not applicable. Functional consequence: retained intron. Not counted in ClinVar's aggregate classification.

Dr. Peter K. Rogan Lab, Western University
No classification provided (evidence only). Condition: Uterine carcinosarcoma. Review status: no classification provided. Collection method: in vitro. Allele origin: not applicable. Functional consequence: retained intron. Not counted in ClinVar's aggregate classification.

Dr. Peter K. Rogan Lab, Western University
No classification provided (evidence only). Condition: Uterine carcinosarcoma. Review status: no classification provided. Collection method: in vitro. Allele origin: not applicable. Functional consequence: retained intron. Not counted in ClinVar's aggregate classification.

Dr. Peter K. Rogan Lab, Western University
No classification provided (evidence only). Condition: Uterine carcinosarcoma. Review status: no classification provided. Collection method: in vitro. Allele origin: not applicable. Functional consequence: retained intron. Not counted in ClinVar's aggregate classification.

Dr. Peter K. Rogan Lab, Western University
No classification provided (evidence only). Condition: Uveal melanoma. Review status: no classification provided. Collection method: in vitro. Allele origin: not applicable. Functional consequence: retained intron. Not counted in ClinVar's aggregate classification.

Dr. Peter K. Rogan Lab, Western University
No classification provided (evidence only). Condition: Lymphoma. Review status: no classification provided. Collection method: in vitro. Allele origin: not applicable. Functional consequence: retained intron. Not counted in ClinVar's aggregate classification.

Dr. Peter K. Rogan Lab, Western University
No classification provided (evidence only). Condition: Lymphoma. Review status: no classification provided. Collection method: in vitro. Allele origin: not applicable. Functional consequence: retained intron. Not counted in ClinVar's aggregate classification.